The following is an entry in ClinVar:

ClinVar aggregate classification (germline): Likely benign (1 of 4 stars; one submission).

Allele frequency attached by ClinVar (database versions not stated): gnomAD 0.00441; 1000 Genomes Project 0.00579; 1000 Genomes Project 30x 0.00656.
gnomAD v4.1: 1,532 of 1,381,864 alleles (0.11%); highest among the groups gnomAD compares: African/African-American, 1.4%; 6 homozygotes.

Submission:

GeneDx
Classification: Likely benign. Last evaluated: 2020-12-12. Review status: criteria provided, single submitter. Criteria: GeneDx Variant Classification Process June 2021. Collection method: clinical testing. Allele origin: germline. Affected: yes.
Comment: See Variant Classification Assertion Criteria.

NM_004715.5(CTDP1):c.493-129G>A

Gene: CTDP1 (CTD phosphatase subunit 1; plus strand). Cytogenetic location: 18q23.
Variant type: single nucleotide variant.
Coding change: c.493-129G>A on transcript NM_004715.5 (MANE Select); 129 bases into the intron before coding-DNA position 493, G replaced by A.
Molecular consequence: intron variant.
Genome position (GRCh38, 1-based): chr18:79,697,731, G>A. VCF-style: chr18-79697731-G-A. GRCh37 (hg19) VCF-style: chr18-77457731-G-A.
Other names: c.493-129G>A (NM_001318511.2, NM_048368.4); c.136-129G>A (NM_001202504.1).
Identifiers: ClinVar variation 1706899 (VCV001706899.2), dbSNP rs115099447, ClinGen allele CA303783638.